The following is an entry in ClinVar:

NM_024105.4(ALG12):c.160C>T (p.Gln54Ter)

Gene: ALG12 (ALG12 alpha-1,6-mannosyltransferase; minus strand). Cytogenetic location: 22q13.33.
Variant type: single nucleotide variant.
Coding change: c.160C>T on transcript NM_024105.4 (MANE Select); coding-DNA position 160, C replaced by T.
Protein change: p.Gln54Ter; replaces glutamine 54 with a stop codon.
Molecular consequence: nonsense.
Genome position (GRCh38, 1-based): chr22:49,913,606, G>A on the plus strand (C>T on the coding strand, the complement: ALG12 is on the minus strand). VCF-style: chr22-49913606-G-A. GRCh37 (hg19) VCF-style: chr22-50307254-G-A.
Other names: short protein forms Q54*.
Identifiers: ClinVar variation 2824299 (VCV002824299.3), dbSNP rs2519275435, ClinGen allele CA412080572.
Genomic context (GRCh38, chr22:49,913,606, plus strand): 5'-CGGGGCCCTGCCAGCTGGTAACATGAGGTTTTCCCCAAAGACAGCAGGGGCCCCTCACCT[G>A]CTCCAGGTCTTGCCAGTGGTAGAGCAGGTCATGTGTGGCCTGCAGGTTGAAGCTCTCCTC-3'

ClinVar aggregate classification (germline): Pathogenic (1 of 4 stars; one submission).

Conditions:
ALG12-congenital disorder of glycosylation (CDG1G). Also called: CDG Ig; ALG12-CDG; Congenital disorder of glycosylation, type Ig. Identifiers: Orphanet 79324, MedGen C2931001, MONDO:0011783, OMIM 607143.

Submission:

Labcorp Genetics (formerly Invitae), Labcorp
Classification: Pathogenic for ALG12-congenital disorder of glycosylation. Last evaluated: 2022-12-26. Review status: criteria provided, single submitter. Criteria: Invitae Variant Classification Sherloc (09022015). Collection method: clinical testing. Allele origin: germline.
Comment: This sequence change creates a premature translational stop signal (p.Gln54*) in the ALG12 gene. It is expected to result in an absent or disrupted protein product. Loss-of-function variants in ALG12 are known to be pathogenic (PMID: 15639192, 31481313). For these reasons, this variant has been classified as Pathogenic. Algorithms developed to predict the effect of sequence changes on RNA splicing suggest that this variant may create or strengthen a splice site. This variant has not been reported in the literature in individuals affected with ALG12-related conditions. This variant is not present in population databases (gnomAD no frequency).

Literature cited by the submitters: PubMed 15639192; PubMed 31481313.